The following is an entry in ClinVar:

NM_002180.3(IGHMBP2):c.*524T>C

Gene: IGHMBP2 (immunoglobulin mu DNA binding protein 2; plus strand). Cytogenetic location: 11q13.3.
Variant type: single nucleotide variant.
Coding change: c.*524T>C on transcript NM_002180.3 (MANE Select); 524 bases downstream of the stop codon, T replaced by C.
Molecular consequence: 3 prime UTR variant.
Genome position (GRCh38, 1-based): chr11:68,940,255, T>C. VCF-style: chr11-68940255-T-C. GRCh37 (hg19) VCF-style: chr11-68707723-T-C.
Identifiers: ClinVar variation 883477 (VCV000883477.5), dbSNP rs192025232, ClinGen allele CA223416528.
Genomic context (GRCh38, chr11:68,940,255, plus strand): 5'-ACGTTCCCATGTGGCCAGATGCTGGGGCCACTTTCCTTCTGTCTGCTGGTGACTGCAGTG[T>C]TCCCCCTCCTCCTCACCACGGGGCTCCTGTGAGTCTGGGGGGCACCTCTTTCTGGCCTGT-3'

ClinVar aggregate classification (germline): Likely benign. Review status: criteria provided, multiple submitters, no conflicts (2 of 4 stars). 2 submissions from 2 submitters: Likely benign (2). Last evaluated 2018-01-13.

Conditions:
Autosomal recessive distal spinal muscular atrophy 1. Also called: NEURONOPATHY, DISTAL HEREDITARY MOTOR, HARDING TYPE VI; NEUROPATHY, DISTAL HEREDITARY MOTOR, AUTOSOMAL RECESSIVE 1; HMN VI; NEURONOPATHY, SEVERE INFANTILE AXONAL, WITH RESPIRATORY FAILURE; SEVERE INFANTILE AXONAL NEUROPATHY WITH RESPIRATORY FAILURE; SPINAL MUSCULAR ATROPHY, DIAPHRAGMATIC. Identifiers: Orphanet 98920, MedGen C1858517, MONDO:0011436, OMIM 604320.

Allele frequency attached by ClinVar (database versions not stated): 1000 Genomes Project 0.00140; 1000 Genomes Project 30x 0.00141; TOPMed 0.00264.
gnomAD v4.1: 443 of 160,454 alleles (0.28%); highest among the groups gnomAD compares: Non-Finnish European, 0.47%; 2 homozygotes.

Submissions (2):

Illumina Laboratory Services, Illumina
Classification: Likely benign for Autosomal recessive distal spinal muscular atrophy 1. Last evaluated: 2018-01-13. Review status: criteria provided, single submitter. Criteria: ICSL Variant Classification Criteria 13 December 2019. Collection method: clinical testing. Allele origin: germline.
Comment: This variant was observed in the ICSL laboratory as part of a predisposition screen in an ostensibly healthy population. It had not been previously curated by ICSL or reported in the Human Gene Mutation Database (HGMD: prior to June 1st, 2018), and was therefore a candidate for classification through an automated scoring system. Utilizing variant allele frequency, disease prevalence and penetrance estimates, and inheritance mode, an automated score was calculated to assess if this variant is too frequent to cause the disease. Based on the score and internal cut-off values, a variant classified as likely benign is not then subjected to further curation. The score for this variant resulted in a classification of likely benign for this disease.

Breakthrough Genomics
Classification: Likely benign. Review status: criteria provided, single submitter. Criteria: ACMG Guidelines, 2015. Collection method: not provided. Allele origin: germline. Inheritance: Autosomal recessive inheritance. Affected: yes.